The following is an entry in ClinVar:

ClinVar aggregate classification (germline): Uncertain significance. Review status: criteria provided, multiple submitters, no conflicts (2 of 4 stars). 3 submissions from 3 submitters: Uncertain significance (3). Last evaluated 2025-09-05.

Conditions:
Intrauterine growth retardation, metaphyseal dysplasia, adrenal hypoplasia congenita, genital anomalies, and immunodeficiency. Also called: IMAGEI SYNDROME. Identifiers: MedGen C5193036, MONDO:0032684, OMIM 618336.
Facial dysmorphism-immunodeficiency-livedo-short stature syndrome. Also called: FILS syndrome; Facial dysmorphism, immunodeficiency, livedo, and short stature. Identifiers: Orphanet 352712, MedGen C3554576, MONDO:0014058, OMIM 615139.
Colorectal cancer, susceptibility to, 12 (CRCS12). Also called: COLORECTAL CANCER, SUSCEPTIBILITY TO, ON CHROMOSOME 12q24. Identifiers: Orphanet 220460, MedGen C3554460, MONDO:0014038, OMIM 615083.
Hereditary cancer-predisposing syndrome. Also called: Hereditary Cancer Syndrome; Tumor predisposition; Hereditary neoplastic syndrome; Neoplastic Syndromes, Hereditary. Identifiers: Orphanet 140162, MedGen C0027672, MeSH D009386, MONDO:0015356.

gnomAD v4.1: 1 of 1,613,868 alleles (0.000062%); highest among the groups gnomAD compares: Non-Finnish European, 0.000085%; no homozygotes.

Submissions (3):

Labcorp Genetics (formerly Invitae), Labcorp
Classification: Uncertain significance. Last evaluated: 2025-09-05. Review status: criteria provided, single submitter. Criteria: Invitae Variant Classification Sherloc (09022015). Collection method: clinical testing. Allele origin: germline.
Comment: This sequence change replaces leucine, which is neutral and non-polar, with isoleucine, which is neutral and non-polar, at codon 263 of the POLE protein (p.Leu263Ile). This variant is not present in population databases (gnomAD no frequency). This variant has not been reported in the literature in individuals affected with POLE-related conditions. ClinVar contains an entry for this variant (Variation ID: 1045360). Invitae Evidence Modeling of protein sequence and biophysical properties (such as structural, functional, and spatial information, amino acid conservation, physicochemical variation, residue mobility, and thermodynamic stability) indicates that this missense variant is not expected to disrupt POLE protein function with a negative predictive value of 80%. In summary, the available evidence is currently insufficient to determine the role of this variant in disease. Therefore, it has been classified as a Variant of Uncertain Significance.

Ambry Genetics
Classification: Uncertain significance for Hereditary cancer-predisposing syndrome. Last evaluated: 2024-12-12. Review status: criteria provided, single submitter. Criteria: Ambry Variant Classification Scheme 2023. Collection method: clinical testing. Allele origin: germline.
Comment: The p.L263I variant (also known as c.787C>A), located in coding exon 8 of the POLE gene, results from a C to A substitution at nucleotide position 787. The leucine at codon 263 is replaced by isoleucine, an amino acid with highly similar properties. This amino acid position is conserved. In addition, this alteration is predicted to be tolerated by in silico analysis. Based on the available evidence, the clinical significance of this variant remains unclear.

Department of Pathology and Laboratory Medicine, Sinai Health System
Classification: Uncertain significance for Colorectal cancer, susceptibility to, 12; Facial dysmorphism-immunodeficiency-livedo-short stature syndrome; Intrauterine growth retardation, metaphyseal dysplasia, adrenal hypoplasia congenita, genital anomalies, and immunodeficiency. Last evaluated: 2023-06-14. Review status: criteria provided, single submitter. Criteria: ACMG Guidelines, 2015. Collection method: clinical testing. Allele origin: germline. Affected: yes.

NM_006231.4(POLE):c.787C>A (p.Leu263Ile)

Gene: POLE (DNA polymerase epsilon, catalytic subunit; minus strand). Cytogenetic location: 12q24.33.
Variant type: single nucleotide variant.
Coding change: c.787C>A on transcript NM_006231.4 (MANE Select); coding-DNA position 787, C replaced by A.
Protein change: p.Leu263Ile; replaces leucine 263 with isoleucine.
Molecular consequence: missense variant.
Genome position (GRCh38, 1-based): chr12:132,677,377, G>T on the plus strand (C>A on the coding strand, the complement: POLE is on the minus strand). VCF-style: chr12-132677377-G-T. GRCh37 (hg19) VCF-style: chr12-133253963-G-T.
Other names: c.787C>A (NM_006231.2, NM_006231.3); short protein forms L263I.
Identifiers: ClinVar variation 1045360 (VCV001045360.6), dbSNP rs2043077432, ClinGen allele CA387364428.
Genomic context (GRCh38, chr12:132,677,377, plus strand): 5'-AGAAAACTGGAAATTTTAGGATGAAGGTAACACAAGCAAAACTTACAGGTCGTTCAACAA[G>T]GTCATCTCGGCGGGTGATTTCTACCGGAAAAGCATTTCCTCGGTATCTGACATTGTACCA-3'
Protein context (NP_006222.2, residues 253-273): FPVEITRRDD[Leu263Ile]VERPDPVVLA